The following is an entry in ClinVar:

NM_000232.5(SGCB):c.442C>T (p.Gln148Ter)

Gene: SGCB (sarcoglycan beta; minus strand). Cytogenetic location: 4q12.
Variant type: single nucleotide variant.
Coding change: c.442C>T on transcript NM_000232.5 (MANE Select); coding-DNA position 442, C replaced by T.
Protein change: p.Gln148Ter; replaces glutamine 148 with a stop codon.
Molecular consequence: nonsense.
Genome position (GRCh38, 1-based): chr4:52,028,909, G>A on the plus strand (C>T on the coding strand, the complement: SGCB is on the minus strand). VCF-style: chr4-52028909-G-A. GRCh37 (hg19) VCF-style: chr4-52895075-G-A.
Other names: c.232C>T, p.Gln78Ter (NM_001440519.1); c.145C>T, p.Gln49Ter (NM_001440520.1); short protein forms Q148*, Q49*, Q78*.
Identifiers: ClinVar variation 5013171 (VCV005013171.1).

ClinVar aggregate classification (germline): Pathogenic (1 of 4 stars; one submission).

Conditions:
Autosomal recessive limb-girdle muscular dystrophy type 2E (LGMDR4). Also called: MUSCULAR DYSTROPHY, LIMB-GIRDLE, AUTOSOMAL RECESSIVE 4. Identifiers: Orphanet 119, MedGen C1858593, MONDO:0011423, OMIM 604286. Disease mechanism: Affects gamma-sarcoglycan and also disrupts the integrity of the entire sarcoglycan complex..

gnomAD v4.1: 1 of 1,612,892 alleles (0.000062%); highest among the groups gnomAD compares: Non-Finnish European, 0.000085%; no homozygotes.

Submission:

Myriad Genetics, Inc.
Classification: Pathogenic for Autosomal recessive limb-girdle muscular dystrophy type 2E. Last evaluated: 2023-09-03. Review status: criteria provided, single submitter. Criteria: Myriad Autosomal Dominant, Autosomal Recessive and X-Linked Classification Criteria (2023). Collection method: clinical testing. Allele origin: unknown.
Comment: NM_000232.4(SGCB):c.442C>T(Q148*) is expected to be pathogenic in the context of beta-sarcoglycanopathy. This variant is predicted to lead to an abnormal or absent protein product due to the creation of a premature termination codon in SGCB, a gene where loss-of-function variants are known to be pathogenic. Please note: this variant was assessed in the context of healthy population screening.